The following is an entry in ClinVar:

ClinVar aggregate classification (germline): Uncertain significance (1 of 4 stars; one submission).

Submission:

CeGaT Center for Human Genetics Tuebingen
Classification: Uncertain significance. Last evaluated: 2024-08-01. Review status: criteria provided, single submitter. Criteria: CeGaT Center For Human Genetics Tuebingen Variant Classification Criteria Version 2. Collection method: clinical testing. Allele origin: germline. Affected: yes. Observed: 1 variant allele.
Comment: TBC1D24: PM2, BP4

NM_001199107.2(TBC1D24):c.610G>A (p.Asp204Asn)

Gene: TBC1D24 (TBC1 domain family member 24; plus strand). Cytogenetic location: 16p13.3.
Variant type: single nucleotide variant.
Coding change: c.610G>A on transcript NM_001199107.2 (MANE Select); coding-DNA position 610, G replaced by A.
Protein change: p.Asp204Asn; replaces aspartic acid 204 with asparagine.
Molecular consequence: missense variant.
Genome position (GRCh38, 1-based): chr16:2,496,758, G>A. VCF-style: chr16-2496758-G-A. GRCh37 (hg19) VCF-style: chr16-2546759-G-A.
Other names: c.610G>A, p.Asp204Asn (NM_020705.3); short protein forms D204N.
Identifiers: ClinVar variation 3341990 (VCV003341990.16).